The following is an entry in ClinVar:

ClinVar aggregate classification (germline): Likely benign (1 of 4 stars; one submission).

gnomAD v4.1: 82 of 1,613,178 alleles (0.0051%); highest among the groups gnomAD compares: East Asian, 0.18%; 1 homozygote.

Submission:

Mayo Clinic Laboratories, Mayo Clinic
Classification: Likely benign. Last evaluated: 2025-07-16. Review status: criteria provided, single submitter. Criteria: ACMG Guidelines, 2015. Collection method: clinical testing. Allele origin: germline. Observed: 1 variant allele.
Comment: BS1, BP4

NM_018685.5(ANLN):c.2428C>G (p.Arg810Gly)

Gene: ANLN (anillin, actin binding protein; plus strand). Cytogenetic location: 7p14.2.
Variant type: single nucleotide variant.
Coding change: c.2428C>G on transcript NM_018685.5 (MANE Select); coding-DNA position 2428, C replaced by G.
Protein change: p.Arg810Gly; replaces arginine 810 with glycine.
Molecular consequence: missense variant.
Genome position (GRCh38, 1-based): chr7:36,422,761, C>G. VCF-style: chr7-36422761-C-G. GRCh37 (hg19) VCF-style: chr7-36462370-C-G.
Other names: p.Arg810Gly; c.2317C>G, p.Arg773Gly (NM_001284301.3); c.2314C>G, p.Arg772Gly (NM_001284302.3); short protein forms R772G, R773G, R810G.
Identifiers: ClinVar variation 4683261 (VCV004683261.1).